The following is an entry in ClinVar:

NM_032043.3(BRIP1):c.108A>G (p.Leu36=)

Gene: BRIP1 (BRCA1 interacting DNA helicase 1; minus strand). Cytogenetic location: 17q23.2.
Variant type: single nucleotide variant.
Coding change: c.108A>G on transcript NM_032043.3 (MANE Select); coding-DNA position 108, A replaced by G.
Protein change: p.Leu36=; no amino-acid change (leucine 36 retained).
Molecular consequence: synonymous variant.
Genome position (GRCh38, 1-based): chr17:61,859,893, T>C on the plus strand (A>G on the coding strand, the complement: BRIP1 is on the minus strand). VCF-style: chr17-61859893-T-C. GRCh37 (hg19) VCF-style: chr17-59937254-T-C.
Identifiers: ClinVar variation 1551496 (VCV001551496.12), dbSNP rs774586397, ClinGen allele CA501151727.
Genomic context (GRCh38, chr17:61,859,893, plus strand): 5'-TAAGGCTAAGCTTTTTCCACTTCCTGTGGGACTCTCCAACAAACAATGTTGCTTGCTGTT[T>C]AATCCTCTGAGAATCTATGAACACAGAAACCAATGAAAATAATAAACATATTAACTTTAT-3'
Protein context (NP_114432.2, residues 26-46): LAMMNSILRG[Leu36=]NSKQHCLLES

ClinVar aggregate classification (germline): Benign/Likely benign. Review status: criteria provided, multiple submitters, no conflicts (2 of 4 stars). 3 submissions from 3 submitters: Benign (1); Likely benign (2). Last evaluated 2024-08-09.

Conditions:
Familial cancer of breast. Also called: Hereditary breast cancer; hereditary breast carcinoma; BREAST CANCER, FAMILIAL. Identifiers: Orphanet 227535, MedGen C0346153, MONDO:0016419, OMIM 114480. Disease mechanism: loss of function.
Fanconi anemia complementation group J. Also called: BRIP1-Related Fanconi Anemia. Identifiers: Orphanet 84, MedGen C1836860, MONDO:0012187, OMIM 609054.
Hereditary cancer-predisposing syndrome. Also called: Neoplastic Syndromes, Hereditary; Tumor predisposition; Hereditary neoplastic syndrome; Hereditary Cancer Syndrome. Identifiers: Orphanet 140162, MedGen C0027672, MeSH D009386, MONDO:0015356.

Submissions (3):

Myriad Genetics, Inc.
Classification: Benign for Familial cancer of breast. Last evaluated: 2024-08-09. Review status: criteria provided, single submitter. Criteria: Myriad Autosomal Dominant, Autosomal Recessive and X-Linked Classification Criteria (2023). Collection method: clinical testing. Allele origin: unknown.
Comment: This variant is considered benign. This variant is a silent/synonymous amino acid change and it is not expected to impact splicing.

Labcorp Genetics (formerly Invitae), Labcorp
Classification: Likely benign for Familial cancer of breast; Fanconi anemia complementation group J. Last evaluated: 2024-02-01. Review status: criteria provided, single submitter. Criteria: Invitae Variant Classification Sherloc (09022015). Collection method: clinical testing. Allele origin: germline.

Ambry Genetics
Classification: Likely benign for Hereditary cancer-predisposing syndrome. Last evaluated: 2022-02-15. Review status: criteria provided, single submitter. Criteria: Ambry Variant Classification Scheme 2023. Collection method: clinical testing. Allele origin: germline.